The following is an entry in ClinVar:

ClinVar aggregate classification (germline): Conflicting classifications of pathogenicity. Review status: criteria provided, conflicting classifications (1 of 4 stars). 9 submissions from 9 submitters: Likely pathogenic (2); Uncertain significance (5). 2 of the submissions do not count toward it. Last evaluated 2026-09-10.

Conditions:
Nephrolithiasis susceptibility caused by SLC26A1 (CAON1). Also called: NEPHROLITHIASIS, CALCIUM OXALATE, 1. Identifiers: MedGen C5779632, MONDO:0020722, OMIM 167030.
Hypersulfaturia (HYSULF). Identifiers: MedGen C5830511, MONDO:0957268, OMIM 620372.
SLC26A1-related disorder. Also called: SLC26A1-related condition.
Nephrolithiasis, calcium oxalate. Also called: Calcium oxalate urolithiasis. Identifiers: MedGen C1833683, MONDO:0957318, HP:0008672.

Allele frequency attached by ClinVar (database versions not stated): gnomAD 0.00016 and 0.00019; TOPMed 0.00020; ExAC 0.00025; gnomAD exomes 0.00025; ESP Exome Variant Server 0.00039; 1000 Genomes Project 30x 0.00047; 1000 Genomes Project 0.00060.
gnomAD v4.1: 457 of 1,552,418 alleles (0.029%); highest among the groups gnomAD compares: Non-Finnish European, 0.036%; no homozygotes.

Submissions (9):

PreventionGenetics, part of Exact Sciences
Classification: Uncertain significance for SLC26A1-related condition. Last evaluated: 2026-09-10. Review status: criteria provided, single submitter. Criteria: ACMG Guidelines, 2015. Collection method: clinical testing. Allele origin: germline.
Comment: The SLC26A1 c.554C>T variant is predicted to result in the amino acid substitution p.Thr185Met. This variant, which is a coding variant in SLC26A1 gene NM_022042:c.554C>T (p.Thr185Met), has been reported in the compound heterozygous state with SLC26A1 p.Ser358Leu in an individual with nephrolithiasis (Gee et al. 2016. PubMed ID: 27210743). In a separate study, this variant was reported in a patient with nephropathy; however, this patient also had the p.Ser358Leu variant (phase was not determined) and a variant in INF2 (Table S7, Groopman. 2019 et al. PubMed ID: 30586318). In addition, the p.Thr185Met and p.Ser358Leu variants were documented separately in individuals from the German Chronic Kidney Disease (GCKD) cohort (Pfau et al. 2023. PubMed ID: 36719378). Functional studies have shown that the p.Thr185Met variant causes a defect in protein folding/trafficking and an ~25% reduction of transport activity, supportive of dominant negative effect (Groopman et al. 2018. PubMed ID: 30586318; Pfau et al. 2023. PubMed ID 36719378). This variant is reported in 0.046% of alleles in individuals of East Asian descent in gnomAD and has conflicting interpretations in ClinVar ranging from uncertain to likely pathogenic (Variation ID: 242374). It has been noted that further evidence is needed to clarify the association of biallelic variants in SLC26A1 with disease per ClinGen criteria (Pfau et al. 2023. PubMed ID: 36719378). At this time, the clinical significance of this variant is uncertain due to the absence of conclusive functional and genetic evidence.

Blueprint Genetics
Classification: Uncertain significance. Last evaluated: 2024-11-13. Review status: criteria provided, single submitter. Criteria: ACMG Guidelines, 2015. Collection method: clinical testing. Allele origin: germline.

Fulgent Genetics
Classification: Uncertain significance for Nephrolithiasis susceptibility caused by SLC26A1; Hypersulfaturia. Last evaluated: 2024-03-04. Review status: criteria provided, single submitter. Criteria: ACMG Guidelines, 2015. Collection method: clinical testing. Allele origin: germline.

Labcorp Genetics (formerly Invitae), Labcorp
Classification: Uncertain significance. Last evaluated: 2023-12-21. Review status: criteria provided, single submitter. Criteria: Invitae Variant Classification Sherloc (09022015). Collection method: clinical testing. Allele origin: germline.
Comment: This sequence change replaces threonine, which is neutral and polar, with methionine, which is neutral and non-polar, at codon 185 of the SLC26A1 protein (p.Thr185Met). This variant is present in population databases (rs139024319, gnomAD 0.04%). This missense change has been observed in individual(s) with nephrolithiasis (PMID: 27210743, 30586318). ClinVar contains an entry for this variant (Variation ID: 242374). Advanced modeling of protein sequence and biophysical properties (such as structural, functional, and spatial information, amino acid conservation, physicochemical variation, residue mobility, and thermodynamic stability) has been performed at Invitae for this missense variant, however the output from this modeling did not meet the statistical confidence thresholds required to predict the impact of this variant on SLC26A1 protein function. Experimental studies have shown that this missense change affects SLC26A1 function (PMID: 27210743, 36719378). In summary, the available evidence is currently insufficient to determine the role of this variant in disease. Therefore, it has been classified as a Variant of Uncertain Significance.

Department of Pathology and Laboratory Medicine, Sinai Health System
Classification: Uncertain significance for Nephrolithiasis susceptibility caused by SLC26A1; Hypersulfaturia. Last evaluated: 2020-08-10. Review status: criteria provided, single submitter. Criteria: ACMG Guidelines, 2015. Collection method: research. Allele origin: germline.

CeGaT Center for Human Genetics Tuebingen
Classification: Likely pathogenic. Last evaluated: 2020-04-01. Review status: criteria provided, single submitter. Criteria: CeGaT Center For Human Genetics Tuebingen Variant Classification Criteria Version 2. Collection method: clinical testing. Allele origin: germline. Affected: yes. Observed: 1 variant allele.

Centre for Mendelian Genomics, University Medical Centre Ljubljana
Classification: Likely pathogenic for Nephrolithiasis susceptibility caused by SLC26A1. Last evaluated: 2016-01-01. Review status: criteria provided, single submitter. Criteria: ACMG Guidelines, 2015. Collection method: clinical testing. Allele origin: unknown. Affected: yes.
Comment: This variant was classified as: Likely pathogenic. The following ACMG criteria were applied in classifying this variant: PS1,PM2,PP3.

OMIM
Classification: Pathogenic for NEPHROLITHIASIS, CALCIUM OXALATE, 1 (1 patient). Last evaluated: 2023-05-15. Review status: no assertion criteria provided. Collection method: literature only. Allele origin: germline. Not counted in ClinVar's aggregate classification.

Gharavi Laboratory, Columbia University
Classification: Likely pathogenic. Last evaluated: 2018-09-16. Review status: no assertion criteria provided. Criteria: ACMG Guidelines, 2015. Collection method: research. Allele origin: germline. Affected: yes. Not counted in ClinVar's aggregate classification.

Literature cited by the submitters: PubMed 27210743 (cited by Labcorp Genetics (formerly Invitae), Labcorp and OMIM); PubMed 30586318 (cited by Labcorp Genetics (formerly Invitae), Labcorp); PubMed 36719378 (cited by Labcorp Genetics (formerly Invitae), Labcorp and OMIM).

NM_022042.4(SLC26A1):c.554C>T (p.Thr185Met)

Genes: IDUA (alpha-L-iduronidase; plus strand), SLC26A1 (solute carrier family 26 member 1; minus strand). Cytogenetic location: 4p16.3.
Variant type: single nucleotide variant.
Coding change: c.554C>T on transcript NM_022042.4 (MANE Select); coding-DNA position 554, C replaced by T.
Protein change: p.Thr185Met; replaces threonine 185 with methionine.
Molecular consequence: missense variant. On other transcripts: intron variant (1).
Genome position (GRCh38, 1-based): chr4:991,150, G>A on the plus strand (C>T on the coding strand, the complement: SLC26A1 is on the minus strand). VCF-style: chr4-991150-G-A. GRCh37 (hg19) VCF-style: chr4-984938-G-A.
Other names: c.554C>T, p.Thr185Met (NM_134425.4, NM_213613.4); c.299+3201G>A (NM_000203.5); short protein forms T185M.
Identifiers: ClinVar variation 242374 (VCV000242374.53), dbSNP rs139024319, ClinGen allele CA2801632.